The following is an entry in ClinVar:

ClinVar aggregate classification (germline): Uncertain significance (1 of 4 stars; one submission).

Conditions:
Gorlin syndrome. Also called: Basal cell nevus syndrome; Nevoid Basal Cell Carcinoma Syndrome. Identifiers: Orphanet 377, MedGen C0004779, MONDO:0007187.

Allele frequency attached by ClinVar (database versions not stated): gnomAD exomes below 0.00001 and 0.00001; TOPMed below 0.00001; gnomAD 0.00001.
gnomAD v4.1: 12 of 1,613,962 alleles (0.00074%); highest among the groups gnomAD compares: South Asian, 0.0022%; no homozygotes.

Submission:

Labcorp Genetics (formerly Invitae), Labcorp
Classification: Uncertain significance for Gorlin syndrome. Last evaluated: 2019-08-20. Review status: criteria provided, single submitter. Criteria: Invitae Variant Classification Sherloc (09022015). Collection method: clinical testing. Allele origin: germline.
Comment: Algorithms developed to predict the effect of missense changes on protein structure and function are either unavailable or do not agree on the potential impact of this missense change (SIFT: "Deleterious"; PolyPhen-2: "Probably Damaging"; Align-GVGD: "Class C0"). In summary, the available evidence is currently insufficient to determine the role of this variant in disease. Therefore, it has been classified as a Variant of Uncertain Significance. This variant has not been reported in the literature in individuals with PTCH2-related conditions. This sequence change replaces arginine with histidine at codon 37 of the PTCH2 protein (p.Arg37His). The arginine residue is highly conserved and there is a small physicochemical difference between arginine and histidine. This variant is not present in population databases (ExAC no frequency).

NM_003738.5(PTCH2):c.110G>A (p.Arg37His)

Gene: PTCH2 (patched 2; minus strand). Cytogenetic location: 1p34.1.
Variant type: single nucleotide variant.
Coding change: c.110G>A on transcript NM_003738.5 (MANE Select); coding-DNA position 110, G replaced by A.
Protein change: p.Arg37His; replaces arginine 37 with histidine.
Molecular consequence: missense variant.
Genome position (GRCh38, 1-based): chr1:44,842,002, C>T on the plus strand (G>A on the coding strand, the complement: PTCH2 is on the minus strand). VCF-style: chr1-44842002-C-T. GRCh37 (hg19) VCF-style: chr1-45307674-C-T.
Other names: c.110G>A, p.Arg37His (NM_001166292.2); short protein forms R37H.
Identifiers: ClinVar variation 955232 (VCV000955232.13), dbSNP rs889058469, ClinGen allele CA21759609.